The following is an entry in ClinVar:

ClinVar aggregate classification (germline): Uncertain significance (1 of 4 stars; one submission).

Conditions:
Developmental and epileptic encephalopathy 92. Also called: EPILEPTIC ENCEPHALOPATHY, INFANTILE OR EARLY CHILDHOOD, 2. Identifiers: MedGen C4693362, MONDO:0020631, OMIM 617829.

Submission:

3billion
Classification: Uncertain significance for Developmental and epileptic encephalopathy 92. Last evaluated: 2025-05-16. Review status: criteria provided, single submitter. Criteria: ACMG Guidelines, 2015. Collection method: clinical testing. Allele origin: germline. Affected: yes.
Comment: The variant is not observed in the gnomAD v4.1.0 dataset. Predicted Consequence/Location: Intron variant In silico tools predict the variant to alter splicing and produce an abnormal transcript [SpliceAI: 0.70 (>=0.2, moderate evidence for spliceogenicity)]. Therefore, this variant is classified as VUS according to the recommendation of ACMG/AMP guideline.

NM_001371727.1(GABRB2):c.832+5G>T

Gene: GABRB2 (gamma-aminobutyric acid type A receptor subunit beta2; minus strand). Cytogenetic location: 5q34.
Variant type: single nucleotide variant.
Coding change: c.832+5G>T on transcript NM_001371727.1 (MANE Select); 5 bases into the intron after coding-DNA position 832, G replaced by T.
Molecular consequence: intron variant.
Genome position (GRCh38, 1-based): chr5:161,334,747, C>A on the plus strand (G>T on the coding strand, the complement: GABRB2 is on the minus strand). VCF-style: chr5-161334747-C-A. GRCh37 (hg19) VCF-style: chr5-160761754-C-A.
Other names: c.832+5G>T (NM_000813.3, NM_021911.3).
Identifiers: ClinVar variation 4854190 (VCV004854190.1).
Genomic context (GRCh38, chr5:161,334,747, plus strand): 5'-GTGCATGCGAACACAGAAATGTACACACAGAGTCAAAATCCACAAGCAGTAATAAAATGG[C>A]CTACCTAATGCCACCCTTGCAGCTGAAGCATCGTAATTAATCCAGAAGGAGACCCAGGAG-3'